The following is an entry in ClinVar:

NM_018026.4(PACS1):c.812C>T (p.Ser271Phe)

Gene: PACS1 (phosphofurin acidic cluster sorting protein 1; plus strand). Cytogenetic location: 11q13.2.
Variant type: single nucleotide variant.
Coding change: c.812C>T on transcript NM_018026.4 (MANE Select); coding-DNA position 812, C replaced by T.
Protein change: p.Ser271Phe; replaces serine 271 with phenylalanine.
Molecular consequence: missense variant.
Genome position (GRCh38, 1-based): chr11:66,216,526, C>T. VCF-style: chr11-66216526-C-T. GRCh37 (hg19) VCF-style: chr11-65983997-C-T.
Other names: short protein forms S271F.
Identifiers: ClinVar variation 2698241 (VCV002698241.3), dbSNP rs2495550714, ClinGen allele CA381349209.

ClinVar aggregate classification (germline): Uncertain significance (1 of 4 stars; one submission).

Conditions:
Schuurs-Hoeijmakers syndrome. Also called: PACS1-Related Neurodevelopmental Disorder. Identifiers: Orphanet 329224, MedGen C3554343, MONDO:0014006, OMIM 615009.

Submission:

Labcorp Genetics (formerly Invitae), Labcorp
Classification: Uncertain significance for Schuurs-Hoeijmakers syndrome. Last evaluated: 2023-11-24. Review status: criteria provided, single submitter. Criteria: Invitae Variant Classification Sherloc (09022015). Collection method: clinical testing. Allele origin: germline.
Comment: This sequence change replaces serine, which is neutral and polar, with phenylalanine, which is neutral and non-polar, at codon 271 of the PACS1 protein (p.Ser271Phe). This variant is not present in population databases (gnomAD no frequency). This variant has not been reported in the literature in individuals affected with PACS1-related conditions. Advanced modeling of protein sequence and biophysical properties (such as structural, functional, and spatial information, amino acid conservation, physicochemical variation, residue mobility, and thermodynamic stability) performed at Invitae indicates that this missense variant is not expected to disrupt PACS1 protein function with a negative predictive value of 80%. In summary, the available evidence is currently insufficient to determine the role of this variant in disease. Therefore, it has been classified as a Variant of Uncertain Significance.